The following is an entry in ClinVar:

NM_005732.4(RAD50):c.1793+6T>C

Gene: RAD50 (RAD50 double strand break repair protein; plus strand). Cytogenetic location: 5q31.1.
Variant type: single nucleotide variant.
Coding change: c.1793+6T>C on transcript NM_005732.4 (MANE Select); 6 bases into the intron after coding-DNA position 1793, T replaced by C.
Molecular consequence: intron variant.
Genome position (GRCh38, 1-based): chr5:132,592,040, T>C. VCF-style: chr5-132592040-T-C. GRCh37 (hg19) VCF-style: chr5-131927732-T-C.
Identifiers: ClinVar variation 662177 (VCV000662177.9), dbSNP rs1252424834, ClinGen allele CA915943554.

ClinVar aggregate classification (germline): Uncertain significance (1 of 4 stars; one submission).

Conditions:
Hereditary cancer-predisposing syndrome. Also called: Neoplastic Syndromes, Hereditary; Tumor predisposition; Hereditary neoplastic syndrome; Hereditary Cancer Syndrome. Identifiers: Orphanet 140162, MedGen C0027672, MeSH D009386, MONDO:0015356.

Submission:

Labcorp Genetics (formerly Invitae), Labcorp
Classification: Uncertain significance for Hereditary cancer-predisposing syndrome. Last evaluated: 2022-05-11. Review status: criteria provided, single submitter. Criteria: Invitae Variant Classification Sherloc (09022015). Collection method: clinical testing. Allele origin: germline.
Comment: Variants that disrupt the consensus splice site are a relatively common cause of aberrant splicing (PMID: 17576681, 9536098). Algorithms developed to predict the effect of sequence changes on RNA splicing suggest that this variant may create or strengthen a splice site. In summary, the available evidence is currently insufficient to determine the role of this variant in disease. Therefore, it has been classified as a Variant of Uncertain Significance. ClinVar contains an entry for this variant (Variation ID: 662177). This variant has not been reported in the literature in individuals affected with RAD50-related conditions. This variant is not present in population databases (gnomAD no frequency). This sequence change falls in intron 11 of the RAD50 gene. It does not directly change the encoded amino acid sequence of the RAD50 protein. It affects a nucleotide within the consensus splice site.

Literature cited by the submitters: PubMed 17576681; PubMed 9536098.